The following is an entry in ClinVar:

ClinVar aggregate classification (germline): Benign/Likely benign. Review status: criteria provided, multiple submitters, no conflicts (2 of 4 stars). 3 submissions from 3 submitters: Benign (1); Likely benign (2). Last evaluated 2026-04-20.

Conditions:
Hereditary cancer-predisposing syndrome. Also called: Tumor predisposition; Hereditary Cancer Syndrome; Neoplastic Syndromes, Hereditary; Hereditary neoplastic syndrome. Identifiers: Orphanet 140162, MedGen C0027672, MeSH D009386, MONDO:0015356.
Lynch syndrome 4 (LYNCH4). Also called: Hereditary non-polyposis colorectal cancer, type 4; Colorectal cancer, hereditary nonpolyposis, type 4. Identifiers: Orphanet 144, MedGen C1838333, MONDO:0013699, OMIM 614337. Disease mechanism: loss of function.

Submissions (3):

Ambry Genetics
Classification: Likely benign for Hereditary cancer-predisposing syndrome. Last evaluated: 2026-04-20. Review status: criteria provided, single submitter. Criteria: Ambry Variant Classification Scheme 2023. Collection method: clinical testing. Allele origin: germline.

Myriad Genetics, Inc.
Classification: Benign for Lynch syndrome 4. Last evaluated: 2025-02-03. Review status: criteria provided, single submitter. Criteria: Myriad Autosomal Dominant, Autosomal Recessive and X-Linked Classification Criteria (2023). Collection method: clinical testing. Allele origin: unknown.
Comment: This variant is considered benign. This variant is a silent/synonymous amino acid change and it is not expected to impact splicing.

Women's Health and Genetics/Laboratory Corporation of America, LabCorp
Classification: Likely benign. Last evaluated: 2019-08-29. Review status: criteria provided, single submitter. Criteria: LabCorp Variant Classification Summary - May 2015. Collection method: clinical testing. Allele origin: germline.

NM_000535.7(PMS2):c.2160G>C (p.Gly720=)

Gene: PMS2 (PMS1 homolog 2, mismatch repair system component; minus strand). Cytogenetic location: 7p22.1.
Variant type: single nucleotide variant.
Coding change: c.2160G>C on transcript NM_000535.7 (MANE Select); coding-DNA position 2160, G replaced by C.
Protein change: p.Gly720=; no amino-acid change (glycine 720 retained).
Molecular consequence: synonymous variant. On other transcripts: non-coding transcript variant (1).
Genome position (GRCh38, 1-based): chr7:5,982,838, C>G on the plus strand (G>C on the coding strand, the complement: PMS2 is on the minus strand). VCF-style: chr7-5982838-C-G. GRCh37 (hg19) VCF-style: chr7-6022469-C-G.
Other names: c.1755G>C, p.Gly585= (NM_001322003.2, NM_001322004.2, NM_001322005.2 and 1 more transcripts); c.2004G>C, p.Gly668= (NM_001322006.2); c.1842G>C, p.Gly614= (NM_001322007.2, NM_001322008.2); c.1599G>C, p.Gly533= (NM_001322010.2); c.1227G>C, p.Gly409= (NM_001322011.2, NM_001322012.2); c.1587G>C, p.Gly529= (NM_001322013.2); c.2160G>C, p.Gly720= (NM_001322014.2); c.1851G>C, p.Gly617= (NM_001322015.2).
Identifiers: ClinVar variation 632952 (VCV000632952.4), dbSNP rs546441038, ClinGen allele CA453642999.